The following is an entry in ClinVar:

NM_006231.4(POLE):c.3833A>G (p.Lys1278Arg)

Gene: POLE (DNA polymerase epsilon, catalytic subunit; minus strand). Cytogenetic location: 12q24.33.
Variant type: single nucleotide variant.
Coding change: c.3833A>G on transcript NM_006231.4 (MANE Select); coding-DNA position 3833, A replaced by G.
Protein change: p.Lys1278Arg; replaces lysine 1278 with arginine.
Molecular consequence: missense variant.
Genome position (GRCh38, 1-based): chr12:132,649,478, T>C on the plus strand (A>G on the coding strand, the complement: POLE is on the minus strand). VCF-style: chr12-132649478-T-C. GRCh37 (hg19) VCF-style: chr12-133226064-T-C.
Other names: short protein forms K1278R.
Identifiers: ClinVar variation 650865 (VCV000650865.12), dbSNP rs1209509734, ClinGen allele CA387385524.

ClinVar aggregate classification (germline): Uncertain significance. Review status: criteria provided, multiple submitters, no conflicts (2 of 4 stars). 4 submissions from 4 submitters: Uncertain significance (3). 1 of the submissions does not count toward it. Last evaluated 2025-11-20.

Conditions:
POLE-related disorder. Also called: POLE-related disorders; POLE-related condition.
Hereditary cancer-predisposing syndrome. Also called: Neoplastic Syndromes, Hereditary; Tumor predisposition; Hereditary Cancer Syndrome; Hereditary neoplastic syndrome. Identifiers: Orphanet 140162, MedGen C0027672, MeSH D009386, MONDO:0015356.

Allele frequency attached by ClinVar (database versions not stated): gnomAD exomes below 0.00001; gnomAD 0.00001; TOPMed 0.00002.
gnomAD v4.1: 8 of 1,612,438 alleles (0.0005%); highest among the groups gnomAD compares: African/African-American, 0.0093%; no homozygotes.

Submissions (4):

Labcorp Genetics (formerly Invitae), Labcorp
Classification: Uncertain significance. Last evaluated: 2025-11-20. Review status: criteria provided, single submitter. Criteria: Invitae Variant Classification Sherloc (09022015). Collection method: clinical testing. Allele origin: germline.
Comment: This sequence change replaces lysine, which is basic and polar, with arginine, which is basic and polar, at codon 1278 of the POLE protein (p.Lys1278Arg). This variant is present in population databases (no rsID available, gnomAD 0.007%). This variant has not been reported in the literature in individuals affected with POLE-related conditions. ClinVar contains an entry for this variant (Variation ID: 650865). Invitae Evidence Modeling of protein sequence and biophysical properties (such as structural, functional, and spatial information, amino acid conservation, physicochemical variation, residue mobility, and thermodynamic stability) indicates that this missense variant is not expected to disrupt POLE protein function with a negative predictive value of 80%. In summary, the available evidence is currently insufficient to determine the role of this variant in disease. Therefore, it has been classified as a Variant of Uncertain Significance.

Ambry Genetics
Classification: Uncertain significance for Hereditary cancer-predisposing syndrome. Last evaluated: 2024-01-27. Review status: criteria provided, single submitter. Criteria: Ambry Variant Classification Scheme 2023. Collection method: clinical testing. Allele origin: germline.
Comment: The p.K1278R variant (also known as c.3833A>G), located in coding exon 31 of the POLE gene, results from an A to G substitution at nucleotide position 3833. The lysine at codon 1278 is replaced by arginine, an amino acid with highly similar properties. This amino acid position is conserved. In addition, the in silico prediction for this alteration is inconclusive. Since supporting evidence is limited at this time, the clinical significance of this alteration remains unclear.

GeneDx
Classification: Uncertain significance. Last evaluated: 2023-02-06. Review status: criteria provided, single submitter. Criteria: GeneDx Variant Classification Process June 2021. Collection method: clinical testing. Allele origin: germline. Affected: yes.
Comment: Not observed at significant frequency in large population cohorts (gnomAD); In silico analysis supports that this missense variant has a deleterious effect on protein structure/function; Has not been previously published as pathogenic or benign to our knowledge

PreventionGenetics, part of Exact Sciences
Classification: Uncertain significance for POLE-related condition. Last evaluated: 2024-04-25. Review status: no assertion criteria provided. Collection method: clinical testing. Allele origin: germline. Not counted in ClinVar's aggregate classification.
Comment: The POLE c.3833A>G variant is predicted to result in the amino acid substitution p.Lys1278Arg. To our knowledge, this variant has not been reported in the literature. This variant is reported in 0.0067% of alleles in individuals of African descent in gnomAD. This variant is interpreted as a variant of uncertain significance in ClinVar. At this time, the clinical significance of this variant is uncertain due to the absence of conclusive functional and genetic evidence.